The following is an entry in ClinVar:

NM_020754.4(ARHGAP31):c.3856C>G (p.Pro1286Ala)

Gene: ARHGAP31 (Rho GTPase activating protein 31; plus strand). Cytogenetic location: 3q13.33.
Variant type: single nucleotide variant.
Coding change: c.3856C>G on transcript NM_020754.4 (MANE Select); coding-DNA position 3856, C replaced by G.
Protein change: p.Pro1286Ala; replaces proline 1286 with alanine.
Molecular consequence: missense variant.
Genome position (GRCh38, 1-based): chr3:119,415,785, C>G. VCF-style: chr3-119415785-C-G. GRCh37 (hg19) VCF-style: chr3-119134632-C-G.
Other names: short protein forms P1286A.
Identifiers: ClinVar variation 2808514 (VCV002808514.3), dbSNP rs2080770815, ClinGen allele CA354060819.
Genomic context (GRCh38, chr3:119,415,785, plus strand): 5'-GATCCCGGAGCCATTAAGTCCTCACCAGTGGATGCCACTGCACCCTGCATGTGCGAGGGA[C>G]CTACCCTTTCTCCAGAACCAGGCTCGTCTAACCTGCTCTCCACCCAGGATGCAGTAGTGC-3'
Protein context (NP_065805.2, residues 1276-1296): DATAPCMCEG[Pro1286Ala]TLSPEPGSSN

ClinVar aggregate classification (germline): Uncertain significance (1 of 4 stars; one submission).

gnomAD v4.1: 2 of 1,614,234 alleles (0.00012%); highest among the groups gnomAD compares: Non-Finnish European, 0.000085%; no homozygotes.

Submission:

Labcorp Genetics (formerly Invitae), Labcorp
Classification: Uncertain significance. Last evaluated: 2022-11-06. Review status: criteria provided, single submitter. Criteria: Invitae Variant Classification Sherloc (09022015). Collection method: clinical testing. Allele origin: germline.
Comment: In summary, the available evidence is currently insufficient to determine the role of this variant in disease. Therefore, it has been classified as a Variant of Uncertain Significance. Algorithms developed to predict the effect of missense changes on protein structure and function (SIFT, PolyPhen-2, Align-GVGD) all suggest that this variant is likely to be tolerated. This variant has not been reported in the literature in individuals affected with ARHGAP31-related conditions. This variant is not present in population databases (gnomAD no frequency). This sequence change replaces proline, which is neutral and non-polar, with alanine, which is neutral and non-polar, at codon 1286 of the ARHGAP31 protein (p.Pro1286Ala).